The following is an entry in ClinVar:

ClinVar aggregate classification (germline): Conflicting classifications of pathogenicity. Review status: criteria provided, conflicting classifications (1 of 4 stars). 3 submissions from 3 submitters: Likely pathogenic (1); Uncertain significance (2). Last evaluated 2024-12-26.

Allele frequency attached by ClinVar (database versions not stated): gnomAD below 0.00001 and 0.00001; gnomAD exomes 0.00002 and 0.00003; ExAC 0.00003.

Submissions (3):

Labcorp Genetics (formerly Invitae), Labcorp
Classification: Uncertain significance. Last evaluated: 2024-12-26. Review status: criteria provided, single submitter. Criteria: Invitae Variant Classification Sherloc (09022015). Collection method: clinical testing. Allele origin: germline.
Comment: This sequence change creates a premature translational stop signal (p.Arg334Glyfs*24) in the SEMA4A gene. It is expected to result in an absent or disrupted protein product. However, the current clinical and genetic evidence is not sufficient to establish whether loss-of-function variants in SEMA4A cause disease. This variant is present in population databases (rs756475595, gnomAD 0.03%). This variant has not been reported in the literature in individuals affected with SEMA4A-related conditions. ClinVar contains an entry for this variant (Variation ID: 419032). In summary, the available evidence is currently insufficient to determine the role of this variant in disease. Therefore, it has been classified as a Variant of Uncertain Significance.

Blueprint Genetics
Classification: Uncertain significance. Last evaluated: 2020-07-10. Review status: criteria provided, single submitter. Criteria: ACMG Guidelines, 2015. Collection method: clinical testing. Allele origin: germline.

GeneDx
Classification: Likely pathogenic. Last evaluated: 2018-08-14. Review status: criteria provided, single submitter. Criteria: GeneDx Variant Classification (06012015). Collection method: clinical testing. Allele origin: germline. Affected: yes.
Comment: The c.1000delA variant in the SEMA4A gene has not been reported previously as a pathogenic variant nor as a benign variant, to our knowledge. The c.1000delA deletion causes a frameshift starting with codon Arginine 334, changes this amino acid to a Glycine residue and creates a premature Stop codon at position 24 of the new reading frame, denoted p.Arg334GlyfsX24. This variant is predicted to cause loss of normal protein function either through protein truncation or nonsense-mediated mRNA decay. The c.1000delA variant is observed in 8/246268 (0.003%) alleles in large population cohorts, with no homozygotes observed (Lek et al., 2016). We interpret c.1000delA as a likely pathogenic variant.

NM_022367.4(SEMA4A):c.1000del (p.Arg334fs)

Gene: SEMA4A (semaphorin 4A; plus strand). Cytogenetic location: 1q22.
Variant type: Deletion.
Coding change: c.1000del on transcript NM_022367.4 (MANE Select); coding-DNA position 1000, one base deleted (A; older notation c.1000delA).
Protein change: p.Arg334fs; shifts the reading frame from arginine 334.
Molecular consequence: frameshift variant.
Genome position (GRCh38, 1-based): chr1:156,162,960, A deleted. VCF-style (leftmost placement, unchanged base first): chr1-156162959-CA-C. GRCh37 (hg19) VCF-style: chr1-156132750-CA-C.
Other names: c.1000del, p.Arg334fs (NM_001193300.2, NM_001193301.2, NM_001370567.1); c.604del, p.Arg202fs (NM_001193302.2); c.703del, p.Arg235fs (NM_001370568.1); c.493del, p.Arg165fs (NM_001370569.1, NM_001370571.1); short protein forms R334fs, R202fs, R165fs, R235fs.
Identifiers: ClinVar variation 419032 (VCV000419032.6), dbSNP rs756475595, ClinGen allele CA1155245.